The following is an entry in ClinVar:

ClinVar aggregate classification (germline): Uncertain significance (1 of 4 stars; one submission).

Conditions:
Immunodeficiency 39 (IMD39). Identifiers: Orphanet 574918, MedGen C4225358, MONDO:0014597, OMIM 616345.

Allele frequency attached by ClinVar (database versions not stated): gnomAD 0.00001; TOPMed 0.00001.
gnomAD v4.1: 22 of 1,557,058 alleles (0.0014%); highest among the groups gnomAD compares: Non-Finnish European, 0.0018%; no homozygotes.

Submission:

Labcorp Genetics (formerly Invitae), Labcorp
Classification: Uncertain significance for Immunodeficiency 39. Last evaluated: 2025-04-27. Review status: criteria provided, single submitter. Criteria: Invitae Variant Classification Sherloc (09022015). Collection method: clinical testing. Allele origin: germline.
Comment: This sequence change replaces glutamic acid, which is acidic and polar, with glutamine, which is neutral and polar, at codon 153 of the IRF7 protein (p.Glu153Gln). The frequency data for this variant in the population databases is considered unreliable, as metrics indicate poor data quality at this position in the gnomAD database. This variant has not been reported in the literature in individuals affected with IRF7-related conditions. ClinVar contains an entry for this variant (Variation ID: 957138). Invitae Evidence Modeling of protein sequence and biophysical properties (such as structural, functional, and spatial information, amino acid conservation, physicochemical variation, residue mobility, and thermodynamic stability) indicates that this missense variant is not expected to disrupt IRF7 protein function with a negative predictive value of 80%. In summary, the available evidence is currently insufficient to determine the role of this variant in disease. Therefore, it has been classified as a Variant of Uncertain Significance.

NM_001572.5(IRF7):c.418G>C (p.Glu140Gln)

Gene: IRF7 (interferon regulatory factor 7; minus strand). Cytogenetic location: 11p15.5.
Variant type: single nucleotide variant.
Coding change: c.418G>C on transcript NM_001572.5 (MANE Select); coding-DNA position 418, G replaced by C.
Protein change: p.Glu140Gln; replaces glutamic acid 140 with glutamine.
Molecular consequence: missense variant.
Genome position (GRCh38, 1-based): chr11:614,511, C>G on the plus strand (G>C on the coding strand, the complement: IRF7 is on the minus strand). VCF-style: chr11-614511-C-G. GRCh37 (hg19) VCF-style: chr11-614511-C-G.
Other names: c.418G>C, p.Glu140Gln (NM_004029.4); c.457G>C, p.Glu153Gln (NM_004031.4); short protein forms E153Q, E140Q.
Identifiers: ClinVar variation 957138 (VCV000957138.9), dbSNP rs757640469, ClinGen allele CA378982629.